The following is an entry in ClinVar:

NM_000327.4(ROM1):c.46C>T (p.Arg16Cys)

Gene: ROM1 (retinal outer segment membrane protein 1; plus strand). Cytogenetic location: 11q12.3.
Variant type: single nucleotide variant.
Coding change: c.46C>T on transcript NM_000327.4 (MANE Select); coding-DNA position 46, C replaced by T.
Protein change: p.Arg16Cys; replaces arginine 16 with cysteine.
Molecular consequence: missense variant.
Genome position (GRCh38, 1-based): chr11:62,613,327, C>T. VCF-style: chr11-62613327-C-T. GRCh37 (hg19) VCF-style: chr11-62380799-C-T.
Other names: short protein forms R16C.
Identifiers: ClinVar variation 3676946 (VCV003676946.2).

ClinVar aggregate classification (germline): Uncertain significance (1 of 4 stars; one submission).

Submission:

Labcorp Genetics (formerly Invitae), Labcorp
Classification: Uncertain significance. Last evaluated: 2024-03-01. Review status: criteria provided, single submitter. Criteria: Invitae Variant Classification Sherloc (09022015). Collection method: clinical testing. Allele origin: germline.
Comment: This sequence change replaces arginine, which is basic and polar, with cysteine, which is neutral and slightly polar, at codon 16 of the ROM1 protein (p.Arg16Cys). This variant is present in population databases (no rsID available, gnomAD 0.003%). This variant has not been reported in the literature in individuals affected with ROM1-related conditions. Advanced modeling of protein sequence and biophysical properties (such as structural, functional, and spatial information, amino acid conservation, physicochemical variation, residue mobility, and thermodynamic stability) performed at Invitae indicates that this missense variant is not expected to disrupt ROM1 protein function with a negative predictive value of 80%. In summary, the available evidence is currently insufficient to determine the role of this variant in disease. Therefore, it has been classified as a Variant of Uncertain Significance.